The following is an entry in ClinVar:

NM_001447.3(FAT2):c.4846C>G (p.Gln1616Glu)

Genes: FAT2 (FAT atypical cadherin 2; minus strand), SLC36A1 (solute carrier family 36 member 1; plus strand). Cytogenetic location: 5q33.1.
Variant type: single nucleotide variant.
Coding change: c.4846C>G on transcript NM_001447.3 (MANE Select); coding-DNA position 4846, C replaced by G.
Protein change: p.Gln1616Glu; replaces glutamine 1616 with glutamic acid.
Molecular consequence: missense variant.
Genome position (GRCh38, 1-based): chr5:151,546,281, G>C on the plus strand (C>G on the coding strand, the complement: FAT2 is on the minus strand). VCF-style: chr5-151546281-G-C. GRCh37 (hg19) VCF-style: chr5-150925842-G-C.
Other names: c.4846C>G (NM_001447.2); short protein forms Q1616E.
Identifiers: ClinVar variation 2985073 (VCV002985073.4), dbSNP rs371218309, ClinGen allele CA3521426.

ClinVar aggregate classification (germline): Uncertain significance. Review status: criteria provided, multiple submitters, no conflicts (2 of 4 stars). 2 submissions from 2 submitters: Uncertain significance (2). Last evaluated 2025-08-18.

Allele frequency attached by ClinVar (database versions not stated): ExAC 0.00001; TOPMed 0.00002; gnomAD exomes 0.00001; gnomAD 0.00003; ESP Exome Variant Server 0.00008.
gnomAD v4.1: 15 of 1,613,988 alleles (0.00093%); highest among the groups gnomAD compares: African/African-American, 0.02%; no homozygotes.

Submissions (2):

Labcorp Genetics (formerly Invitae), Labcorp
Classification: Uncertain significance. Last evaluated: 2025-08-18. Review status: criteria provided, single submitter. Criteria: Invitae Variant Classification Sherloc (09022015). Collection method: clinical testing. Allele origin: germline.
Comment: This sequence change replaces glutamine, which is neutral and polar, with glutamic acid, which is acidic and polar, at codon 1616 of the FAT2 protein (p.Gln1616Glu). This variant is present in population databases (rs371218309, gnomAD 0.03%). This variant has not been reported in the literature in individuals affected with FAT2-related conditions. ClinVar contains an entry for this variant (Variation ID: 2985073). An algorithm developed to predict the effect of missense changes on protein structure and function (PolyPhen-2) suggests that this variant is likely to be tolerated. In summary, the available evidence is currently insufficient to determine the role of this variant in disease. Therefore, it has been classified as a Variant of Uncertain Significance.

Ambry Genetics
Classification: Uncertain significance. Last evaluated: 2025-02-09. Review status: criteria provided, single submitter. Criteria: Ambry Variant Classification Scheme 2023. Collection method: clinical testing. Allele origin: germline.